The following is an entry in ClinVar:

ClinVar aggregate classification (germline): Likely benign (0 of 4 stars; one submission).

Conditions:
LIG1-related disorder. Also called: LIG1-related condition.

Allele frequency attached by ClinVar (database versions not stated): ExAC 0.00002.
gnomAD v4.1: 40 of 1,613,694 alleles (0.0025%); highest among the groups gnomAD compares: South Asian, 0.029%; 1 homozygote.

Submission:

PreventionGenetics, part of Exact Sciences
Classification: Likely benign for LIG1-related condition. Last evaluated: 2019-03-07. Review status: no assertion criteria provided. Collection method: clinical testing. Allele origin: germline.
Comment: This variant is classified as likely benign based on ACMG/AMP sequence variant interpretation guidelines (Richards et al. 2015 PMID: 25741868, with internal and published modifications).

NM_000234.3(LIG1):c.-6G>A

Gene: LIG1 (DNA ligase 1; minus strand). Cytogenetic location: 19q13.33.
Variant type: single nucleotide variant.
Coding change: c.-6G>A on transcript NM_000234.3 (MANE Select); 6 bases upstream of the start codon, G replaced by A.
Molecular consequence: 5 prime UTR variant. On other transcripts: non-coding transcript variant (6).
Genome position (GRCh38, 1-based): chr19:48,165,572, C>T on the plus strand (G>A on the coding strand, the complement: LIG1 is on the minus strand). VCF-style: chr19-48165572-C-T. GRCh37 (hg19) VCF-style: chr19-48668829-C-T.
Other names: c.-6G>A (NM_001289063.2, NM_001289064.2, NM_001320970.2 and 1 more transcripts).
Identifiers: ClinVar variation 3046365 (VCV003046365.2), dbSNP rs752384530, ClinGen allele CA9547491.
Genomic context (GRCh38, chr19:48,165,572, plus strand): 5'-GGAGAAGGAAAGACTCAGGGGCAAGGGAGGGTGCTCACATGATACTTCGCTGCATGTTGG[C>T]GTCAGAATTCTCCCTTCCTGTCCAGCACTTTTCTTCGTCTGTCAGCTGCTCCTGGAACAG-3'